The following is an entry in ClinVar:

NM_000384.3(APOB):c.3845A>G (p.Asp1282Gly)

Gene: APOB (apolipoprotein B; minus strand). Cytogenetic location: 2p24.1.
Variant type: single nucleotide variant.
Coding change: c.3845A>G on transcript NM_000384.3 (MANE Select); coding-DNA position 3845, A replaced by G.
Protein change: p.Asp1282Gly; replaces aspartic acid 1282 with glycine.
Molecular consequence: missense variant.
Genome position (GRCh38, 1-based): chr2:21,013,531, T>C on the plus strand (A>G on the coding strand, the complement: APOB is on the minus strand). VCF-style: chr2-21013531-T-C. GRCh37 (hg19) VCF-style: chr2-21236403-T-C.
Other names: short protein forms D1282G.
Identifiers: ClinVar variation 3933415 (VCV003933415.1).

ClinVar aggregate classification (germline): Uncertain significance (1 of 4 stars; one submission).

Conditions:
Cardiovascular phenotype. Identifiers: MedGen CN230736.

Submission:

Ambry Genetics
Classification: Uncertain significance for Cardiovascular phenotype. Last evaluated: 2025-06-10. Review status: criteria provided, single submitter. Criteria: Ambry Variant Classification Scheme 2023. Collection method: clinical testing. Allele origin: germline.
Comment: The p.D1282G variant (also known as c.3845A>G), located in coding exon 25 of the APOB gene, results from an A to G substitution at nucleotide position 3845. The aspartic acid at codon 1282 is replaced by glycine, an amino acid with similar properties. This amino acid position is conserved. In addition, this alteration is predicted to be tolerated by in silico analysis. Based on the available evidence, the clinical significance of this variant remains unclear.